The following is an entry in ClinVar:

ClinVar aggregate classification (germline): Likely benign. Review status: criteria provided, multiple submitters, no conflicts (2 of 4 stars). 2 submissions from 2 submitters: Likely benign (2). Last evaluated 2024-05-30.

Conditions:
Cardiovascular phenotype. Identifiers: MedGen CN230736.
Catecholaminergic polymorphic ventricular tachycardia (CVPT). Also called: Catecholamine-induced polymorphic ventricular tachycardia. Identifiers: Orphanet 3286, MedGen C5574922, MONDO:0017990.

Allele frequency attached by ClinVar (database versions not stated): gnomAD exomes below 0.00001.
gnomAD v4.1: 2 of 1,613,650 alleles (0.00012%); highest among the groups gnomAD compares: Non-Finnish European, 0.000085%; no homozygotes.

Submissions (2):

All of Us Research Program, National Institutes of Health
Classification: Likely benign for Catecholaminergic polymorphic ventricular tachycardia. Last evaluated: 2024-05-30. Review status: criteria provided, single submitter. Criteria: ACMG Guidelines, 2015. Collection method: clinical testing. Allele origin: germline. Inheritance: Autosomal dominant inheritance. Observed: 1 variant allele, 1 heterozygote.
Comment: This study involves interpretation of variants in research participants for the purpose of population health screening. Participant phenotype was not available at the time of variant classification. Additional details can be found in publication PMID: 35346344, PMCID: PMC8962531

Ambry Genetics
Classification: Likely benign for Cardiovascular phenotype. Last evaluated: 2023-11-28. Review status: criteria provided, single submitter. Criteria: Ambry Variant Classification Scheme 2023. Collection method: clinical testing. Allele origin: germline.

NM_001035.3(RYR2):c.540C>T (p.Asp180=)

Gene: RYR2 (ryanodine receptor 2; plus strand). Cytogenetic location: 1q43.
Variant type: single nucleotide variant.
Coding change: c.540C>T on transcript NM_001035.3 (MANE Select); coding-DNA position 540, C replaced by T.
Protein change: p.Asp180=; no amino-acid change (aspartic acid 180 retained).
Molecular consequence: synonymous variant.
Genome position (GRCh38, 1-based): chr1:237,377,399, C>T. VCF-style: chr1-237377399-C-T. GRCh37 (hg19) VCF-style: chr1-237540699-C-T.
Identifiers: ClinVar variation 3232404 (VCV003232404.2), dbSNP rs2529993146, ClinGen allele CA423808737.